The following is an entry in ClinVar:

NM_000059.3:c.6003_6004insAlu

Gene: BRCA2 (BRCA2 DNA repair associated; plus strand). Cytogenetic location: 13q13.1.
Variant type: Insertion.
Identifiers: ClinVar variation 870253 (VCV000870253.1).

ClinVar aggregate classification (germline): Pathogenic (1 of 4 stars; one submission).

Conditions:
Hereditary breast ovarian cancer syndrome. Also called: Hereditary breast and ovarian cancer syndrome (HBOC); Hereditary breast and/or ovarian cancer syndrome; Hereditary breast and ovarian cancer syndrome; Breast and ovarian cancer; BRCA1- and BRCA2-Associated Hereditary Breast and Ovarian Cancer; Hereditary breast and ovarian cancer. Identifiers: Orphanet 145, MedGen C0677776, MeSH D061325, MONDO:0003582. Disease mechanism: loss of function.

Submission:

Labcorp Genetics (formerly Invitae), Labcorp
Classification: Pathogenic for Hereditary breast and ovarian cancer syndrome. Last evaluated: 2019-02-04. Review status: criteria provided, single submitter. Criteria: Invitae Variant Classification Sherloc (09022015). Collection method: clinical testing. Allele origin: germline.
Comment: This sequence change inserts a large fragment of DNA, likely a transposable element, in exon 11 of the BRCA2 gene (c.6003_6004insAlu), causing a frameshift at codon 2002 (p.Glu2002fs). The exact size and sequence of the insertion cannot be determined by the current assay. However, the insertion is expected to result in an absent or disrupted protein product. This variant has not been reported in the literature in individuals with BRCA2-related disease. Retrotransposon insertions including LINE1 (L1), Alu, and SVA (SINE-VNTR-Alu) have been reported to be disease-causing through disruption of either a coding region or splice site (PMID: 19763152, 20307669, 22406018), and loss-of-function variants in BRCA2 are known to be pathogenic (PMID: 20104584). For these reasons, this variant has been classified as Pathogenic.

Literature cited by the submitters: PubMed 19763152; PubMed 20104584; PubMed 20307669; PubMed 22406018.